The following is an entry in ClinVar:

ClinVar aggregate classification (germline): Pathogenic (1 of 4 stars; one submission).

Conditions:
Hereditary cancer-predisposing syndrome. Also called: Neoplastic Syndromes, Hereditary; Tumor predisposition; Hereditary Cancer Syndrome; Hereditary neoplastic syndrome. Identifiers: Orphanet 140162, MedGen C0027672, MeSH D009386, MONDO:0015356.

Submission:

Ambry Genetics
Classification: Pathogenic for Hereditary cancer-predisposing syndrome. Last evaluated: 2022-08-30. Review status: criteria provided, single submitter. Criteria: Ambry Variant Classification Scheme 2023. Collection method: clinical testing. Allele origin: germline.
Comment: The c.1914delT pathogenic mutation, located in coding exon 4 of the MSH6 gene, results from a deletion of one nucleotide at nucleotide position 1914, causing a translational frameshift with a predicted alternate stop codon (p.E639Rfs*9). This alteration is expected to result in loss of function by premature protein truncation or nonsense-mediated mRNA decay. As such, this alteration is interpreted as a disease-causing mutation.

NM_000179.3(MSH6):c.1914del (p.Glu639fs)

Gene: MSH6 (mutS homolog 6; plus strand). Cytogenetic location: 2p16.3.
Variant type: Deletion.
Coding change: c.1914del on transcript NM_000179.3 (MANE Select); coding-DNA position 1914, one base deleted (T; older notation c.1914delT).
Protein change: p.Glu639fs; shifts the reading frame from glutamic acid 639.
Molecular consequence: frameshift variant.
Genome position (GRCh38, 1-based): chr2:47,799,897, T deleted; the last of 2 consecutive T bases (chr2:47,799,896-47,799,897); deleting either gives the same sequence. VCF-style (leftmost placement, unchanged base first): chr2-47799895-CT-C. GRCh37 (hg19) VCF-style: chr2-48027034-CT-C.
Other names: c.1524del, p.Glu509fs (NM_001281492.2); c.1008del, p.Glu337fs (NM_001281493.2, NM_001281494.2); c.2010delT, p.Glu671Argfs (NM_001406795.1, NM_001406802.1); c.1914delT, p.Glu639Argfs (NM_001406796.1, NM_001406798.1, NM_001406800.1 and 3 more transcripts); c.1617delT, p.Glu540Argfs (NM_001406797.1, NM_001406801.1, NM_001406805.1 and 10 more transcripts); c.1389delT, p.Glu464Argfs (NM_001406799.1, NM_001406806.1, NM_001406807.1); c.1836delT, p.Glu613Argfs (NM_001406804.1); c.1008delT, p.Glu337Argfs (NM_001406811.1, NM_001406812.1, NM_001406814.1 and 4 more transcripts); and 2 more; short protein forms E509fs, E639fs, E337fs.
Identifiers: ClinVar variation 1782557 (VCV001782557.2), dbSNP rs2530637976, ClinGen allele CA2580067728.